The following is an entry in ClinVar:

NM_005701.4(SNUPN):c.435_436delinsAA (p.Ser145_Gly146delinsArgSer)

Gene: SNUPN (snurportin 1; minus strand). Cytogenetic location: 15q24.2.
Variant type: Indel.
Coding change: c.435_436delinsAA on transcript NM_005701.4 (MANE Select); coding-DNA positions 435 to 436, TG replaced by AA.
Protein change: p.Ser145_Gly146delinsArgSer.
Molecular consequence: missense variant.
Genome position (GRCh38, 1-based): chr15:75,609,624-75,609,625, CA replaced by TT on the plus strand (TG replaced by AA on the coding strand, the reverse complement: SNUPN is on the minus strand). VCF-style: chr15-75609624-CA-TT. GRCh37 (hg19) VCF-style: chr15-75901965-CA-TT.
Other names: c.435_436delinsAA, p.Ser145_Gly146delinsArgSer (NM_001042581.2, NM_001042588.2).
Identifiers: ClinVar variation 4857657 (VCV004857657.1).

ClinVar aggregate classification (germline): Likely pathogenic (1 of 4 stars; one submission).

Conditions:
Muscular dystrophy, limb-girdle, autosomal recessive 29. Identifiers: MedGen C5935611, MONDO:0971171, OMIM 620793.

Submission:

Harry Perkins Institute Of Medical Research, University Of Western Australia
Classification: Likely pathogenic for Muscular dystrophy, limb-girdle, autosomal recessive 29. Review status: criteria provided, single submitter. Criteria: ACMG Guidelines, 2015. Collection method: research. Allele origin: germline. Inheritance: Autosomal recessive inheritance. Affected: yes. Observed: 1 compound heterozygote.
Comment: identified in trans with known disease associated variant in SNUPN (c.926T>G)

Literature cited by the submitters: PubMed 38366623; PubMed 38413582.